The following is an entry in ClinVar:

ClinVar aggregate classification (germline): Uncertain significance. Review status: criteria provided, multiple submitters, no conflicts (2 of 4 stars). 4 submissions from 4 submitters: Uncertain significance (4). Last evaluated 2025-04-10.

Conditions:
GJB6-related disorder. Also called: GJB6-related disorders.
Hidrotic ectodermal dysplasia syndrome (GJB6). Also called: CLOUSTON HIDROTIC ECTODERMAL DYSPLASIA; ECTODERMAL DYSPLASIA 2, CLOUSTON TYPE; Hidrotic ectodermal dysplasia; Ectodermal dysplasia 2, hidrotic; Autosomal dominant hidrotic ectodermal dysplasia; Clouston syndrome. Identifiers: Orphanet 189, MedGen C0162361, MONDO:0007510, OMIM 129500.

Allele frequency attached by ClinVar (database versions not stated): ExAC 0.00002; gnomAD 0.00004; gnomAD exomes 0.00001 and 0.00002; TOPMed 0.00003.
gnomAD v4.1: 44 of 1,612,108 alleles (0.0027%); highest among the groups gnomAD compares: Middle Eastern, 0.3%; 1 homozygote.

Submissions (4):

GeneDx
Classification: Uncertain significance. Last evaluated: 2025-04-10. Review status: criteria provided, single submitter. Criteria: GeneDx Variant Classification Process June 2021. Collection method: clinical testing. Allele origin: germline. Affected: yes.
Comment: In silico analysis supports that this missense variant has a deleterious effect on protein structure/function; This variant is associated with the following publications: (PMID: 38378725, 28501645, 30622556)

PreventionGenetics, part of Exact Sciences
Classification: Uncertain significance for GJB6-related condition. Last evaluated: 2023-08-01. Review status: criteria provided, single submitter. Criteria: ACMG Guidelines, 2015. Collection method: clinical testing. Allele origin: germline.
Comment: The GJB6 c.209C>T variant is predicted to result in the amino acid substitution p.Pro70Leu. 2017. PubMed ID: 28501645) and in the heterozygous state without a second potentially causative variant in another individual with hearing loss Morgan. 2018. PubMed ID: 30622556). This variant is reported in 0.012% of alleles in individuals of African descent in gnomAD. At this time, the clinical significance of this variant is uncertain due to the absence of conclusive functional and genetic evidence.

Illumina Laboratory Services, Illumina
Classification: Uncertain significance for Hidrotic ectodermal dysplasia syndrome. Last evaluated: 2018-01-13. Review status: criteria provided, single submitter. Criteria: ICSL Variant Classification Criteria 13 December 2019. Collection method: clinical testing. Allele origin: germline.

Laboratory for Molecular Medicine, Mass General Brigham Personalized Medicine
Classification: Uncertain significance. Last evaluated: 2014-05-23. Review status: criteria provided, single submitter. Criteria: LMM Criteria. Collection method: clinical testing. Allele origin: germline. Observed: 3 variant alleles.
Comment: The Pro70Leu variant in GJB6 has not been previously reported in individuals wit h hearing loss and was absent from large population studies. Computational predi ction tools and conservation analyses suggest that the Pro70Leu variant may impa ct the protein, though this information is not predictive enough to determine pa thogenicity. In summary, the clinical significance of the Pro70Leu variant is u ncertain.

NM_001110219.3(GJB6):c.209C>T (p.Pro70Leu)

Gene: GJB6 (gap junction protein beta 6; minus strand). Cytogenetic location: 13q12.11.
Variant type: single nucleotide variant.
Coding change: c.209C>T on transcript NM_001110219.3 (MANE Select); coding-DNA position 209, C replaced by T.
Protein change: p.Pro70Leu; replaces proline 70 with leucine.
Molecular consequence: missense variant.
Genome position (GRCh38, 1-based): chr13:20,223,272, G>A on the plus strand (C>T on the coding strand, the complement: GJB6 is on the minus strand). VCF-style: chr13-20223272-G-A. GRCh37 (hg19) VCF-style: chr13-20797411-G-A.
Other names: c.209C>T (NM_001110219.2); c.209C>T, p.Pro70Leu (NM_001110220.3, NM_001110221.3, NM_001370090.1 and 3 more transcripts); short protein forms P70L.
Identifiers: ClinVar variation 179782 (VCV000179782.14), dbSNP rs727505123, ClinGen allele CA185121.
Genomic context (GRCh38, chr13:20,223,272, plus strand): 5'-AGCAGCGCTGGGGTGGAGACGAAGATCAGCTGGAGGGCCCACAGCCGGATGTGGGACACC[G>A]GGAAAAAGTGGTCATAGCACACATTTTTGCATCCCGGTTGCAGTGTGTTGCAGACGAAGT-3'
Protein context (NP_001103689.1, residues 60-80): CKNVCYDHFF[Pro70Leu]VSHIRLWALQ